The following is an entry in ClinVar:

NM_144631.6(ZNF513):c.1387A>G (p.Met463Val)

Genes: ZNF513 (zinc finger protein 513; minus strand), LOC129933376 (ATAC-STARR-seq lymphoblastoid active region 15506; plus strand). Cytogenetic location: 2p23.3.
Variant type: single nucleotide variant.
Coding change: c.1387A>G on transcript NM_144631.6 (MANE Select); coding-DNA position 1387, A replaced by G.
Protein change: p.Met463Val; replaces methionine 463 with valine.
Molecular consequence: missense variant.
Genome position (GRCh38, 1-based): chr2:27,377,784, T>C on the plus strand (A>G on the coding strand, the complement: ZNF513 is on the minus strand). VCF-style: chr2-27377784-T-C. GRCh37 (hg19) VCF-style: chr2-27600651-T-C.
Other names: c.1201A>G, p.Met401Val (NM_001201459.2); c.1387A>G (NM_144631.5); short protein forms M401V, M463V.
Identifiers: ClinVar variation 2983630 (VCV002983630.4), dbSNP rs1296521826, ClinGen allele CA346214542.

ClinVar aggregate classification (germline): Uncertain significance. Review status: criteria provided, multiple submitters, no conflicts (2 of 4 stars). 2 submissions from 2 submitters: Uncertain significance (2). Last evaluated 2024-10-29.

Allele frequency attached by ClinVar (database versions not stated): TOPMed below 0.00001; gnomAD exomes 0.00001.
gnomAD v4.1: 9 of 1,614,166 alleles (0.00056%); highest among the groups gnomAD compares: Non-Finnish European, 0.00076%; no homozygotes.

Submissions (2):

Ambry Genetics
Classification: Uncertain significance. Last evaluated: 2024-10-29. Review status: criteria provided, single submitter. Criteria: Ambry Variant Classification Scheme 2023. Collection method: clinical testing. Allele origin: germline.

Labcorp Genetics (formerly Invitae), Labcorp
Classification: Uncertain significance. Last evaluated: 2024-01-04. Review status: criteria provided, single submitter. Criteria: Invitae Variant Classification Sherloc (09022015). Collection method: clinical testing. Allele origin: germline.
Comment: This sequence change replaces methionine, which is neutral and non-polar, with valine, which is neutral and non-polar, at codon 463 of the ZNF513 protein (p.Met463Val). This variant is present in population databases (no rsID available, gnomAD 0.0009%). This variant has not been reported in the literature in individuals affected with ZNF513-related conditions. An algorithm developed to predict the effect of missense changes on protein structure and function (PolyPhen-2) suggests that this variant is likely to be tolerated. In summary, the available evidence is currently insufficient to determine the role of this variant in disease. Therefore, it has been classified as a Variant of Uncertain Significance.